The following is an entry in ClinVar:

NM_001330700.2(TOP2B):c.4725_4727dup (p.Ser1576dup)

Gene: TOP2B (DNA topoisomerase II beta; minus strand). Cytogenetic location: 3p24.2.
Variant type: Duplication.
Coding change: c.4725_4727dup on transcript NM_001330700.2 (MANE Select); coding-DNA positions 4725 to 4727, 3 bases duplicated (ATC; older notation c.4725_4727dupATC).
Protein change: p.Ser1576dup; duplicates serine 1576.
Molecular consequence: inframe insertion.
Genome position (GRCh38, 1-based): chr3:25,598,461-25,598,463, GAT duplicated on the plus strand (ATC on the coding strand, the reverse complement: TOP2B is on the minus strand); duplicating any 3 consecutive bases within chr3:25,598,461-25,598,464 gives the same sequence; the c. name uses the placement nearest the transcript's 3' end. VCF-style (leftmost placement, unchanged base first): chr3-25598460-A-AGAT. GRCh37 (hg19) VCF-style: chr3-25639951-A-AGAT.
Other names: c.4710_4712dup, p.Ser1571dup (NM_001068.3).
Identifiers: ClinVar variation 1023426 (VCV001023426.5), dbSNP rs745816721, ClinGen allele CA2287982.

ClinVar aggregate classification (germline): Uncertain significance (1 of 4 stars; one submission).

Submission:

Labcorp Genetics (formerly Invitae), Labcorp
Classification: Uncertain significance. Last evaluated: 2025-11-03. Review status: criteria provided, single submitter. Criteria: Invitae Variant Classification Sherloc (09022015). Collection method: clinical testing. Allele origin: germline.
Comment: This variant, c.4710_4712dup, results in the insertion of 1 amino acid(s) of the TOP2B protein (p.Ser1571dup), but otherwise preserves the integrity of the reading frame. This variant is present in population databases (rs745816721, gnomAD 0.04%). This variant has not been reported in the literature in individuals affected with TOP2B-related conditions. ClinVar contains an entry for this variant (Variation ID: 1023426). Experimental studies and prediction algorithms are not available or were not evaluated, and the functional significance of this variant is currently unknown. In summary, the available evidence is currently insufficient to determine the role of this variant in disease. Therefore, it has been classified as a Variant of Uncertain Significance.